The following continues an entry in ClinVar:

NM_001609.4(ACADSB):c.443C>T (p.Thr148Ile)

Gene: ACADSB. ClinVar aggregate classification (germline): Conflicting classifications of pathogenicity. Pathogenic (6); Likely pathogenic (10); Uncertain significance (2).

Submissions 12 to 19 of 19:

Department of Pathology and Laboratory Medicine, Sinai Health System
Classification: Likely pathogenic for 2-methylbutyryl-CoA dehydrogenase deficiency. Last evaluated: 2022-11-16. Review status: criteria provided, single submitter. Criteria: ACMG Guidelines, 2015. Collection method: research. Allele origin: germline.

Ambry Genetics
Classification: Likely pathogenic for Inborn genetic diseases. Last evaluated: 2021-01-13. Review status: criteria provided, single submitter. Criteria: Ambry Variant Classification Scheme 2023. Collection method: clinical testing. Allele origin: germline.
Comment: The c.443C>T (p.T148I) alteration is located in exon 4 (coding exon 4) of the ACADSB gene. This alteration results from a C to T substitution at nucleotide position 443, causing the threonine (T) at amino acid position 148 to be replaced by an isoleucine (I). This variant has been reported in individuals with biochemical evidence of 2-methylbutyrylglycinuria in both the homozygous and compound heterozygous state; however, most were reported as clinically asymptomatic (Korman, 2005; Sass, 2008; Alfardan, 2010; Porta, 2019). One individual presented with a history of metabolic acidosis and coma during illness (Porta, 2019). In E. coli with this variant, enzyme activity was reduced to 2.8% of wild type activity levels (Alfardan, 2010). The in silico prediction for the p.T148I alteration is inconclusive. Based on the available evidence, this alteration is classified as likely pathogenic.

New York Genome Center
Classification: Likely pathogenic for Deficiency of 2-methylbutyryl-CoA dehydrogenase. Last evaluated: 2020-06-26. Review status: criteria provided, single submitter. Criteria: NYGC Assertion Criteria 2020. Collection method: clinical testing. Allele origin: inherited. Observed: 1 heterozygote. Study: CSER-NYCKidSeq.

Illumina Laboratory Services, Illumina
Classification: Pathogenic for Deficiency of 2-methylbutyryl-CoA dehydrogenase. Last evaluated: 2017-04-28. Review status: criteria provided, single submitter. Criteria: ICSL Variant Classification Criteria 09 May 2019. Collection method: clinical testing. Allele origin: germline.
Comment: The ACADSB c.443C>T (p.Thr148Ile) missense variant has been reported in at least three studies in which it is found in a total of six patients with acyl-CoA dehydrogenase, short/branched chain deficiency, including in three, of whom two are siblings, who carried the variant in a homozygous state, and three, of whom two are siblings, who carried the variant in a compound heterozygous state (Korman et al. 2005; Sass et al. 2008; Alfardan et al. 2010). The p.Thr148Ile variant was not detected in 92 control chromosomes and is reported at a frequency of 0.0023 in the South Asian population of the Exome Aggregation Consortium. In vitro expression in E. coli found that the p.Thr148Ile variant protein had almost undetectable activity compared to wild type (Alfardan et al. 2010). It should be noted that some individuals with this disorder may remain asymptomatic throughout life. Based on the evidence, the p.Thr148Ile variant is classified as pathogenic for acyl-CoA dehydrogenase, short/branched chain deficiency. This variant was observed by ICSL as part of a predisposition screen in an ostensibly healthy population.

Eurofins Ntd Llc (ga)
Classification: Uncertain significance. Last evaluated: 2016-04-08. Review status: criteria provided, single submitter. Criteria: EGL Classification Definitions 2015. Collection method: clinical testing. Allele origin: germline. Observed: 1 variant allele, 1 heterozygote.

Juno Genomics, Hangzhou Juno Genomics, Inc
Classification: Likely pathogenic for Deficiency of 2-methylbutyryl-CoA dehydrogenase. Review status: criteria provided, single submitter. Criteria: ACMG Guidelines, 2015. Collection method: clinical testing. Allele origin: germline. Affected: yes.
Comment: Absent from controls (or at extremely low frequency if recessive) in Genome Aggregation Database, Exome Sequencing Project, 1000 Genomes Project, or Exome Aggregation Consortium.;For recessive disorders, detected in trans with a pathogenic variant.;Well-established in vitro or in vivo functional studies supportive of a damaging effect on the gene or gene product.;Co-segregation with disease in multiple affected family members in a gene definitively known to cause the disease.

Kariminejad - Najmabadi Pathology & Genetics Center
Classification: Likely pathogenic for Deficiency of 2-methylbutyryl-CoA dehydrogenase. Review status: criteria provided, single submitter. Criteria: ACMG Guidelines, 2015. Collection method: clinical testing. Allele origin: germline. Affected: no.

OMIM
Classification: Pathogenic for 2-METHYLBUTYRYL-CoA DEHYDROGENASE DEFICIENCY. Last evaluated: 2008-01-01. Review status: no assertion criteria provided. Collection method: literature only. Allele origin: germline. Not counted in ClinVar's aggregate classification.

Literature cited by the submitters: PubMed 36147814 (cited by Victorian Clinical Genetics Services, Murdoch Childrens Research Institute); PubMed 30730842 (cited by 4 submitters); PubMed 15615815 (cited by 5 submitters); PubMed 17945527 (cited by 6 submitters); PubMed 20547083 (cited by 6 submitters).